The following is an entry in ClinVar:

NM_022437.3(ABCG8):c.1270G>T (p.Ala424Ser)

Gene: ABCG8 (ATP binding cassette subfamily G member 8; plus strand). Cytogenetic location: 2p21.
Variant type: single nucleotide variant.
Coding change: c.1270G>T on transcript NM_022437.3 (MANE Select); coding-DNA position 1270, G replaced by T.
Protein change: p.Ala424Ser; replaces alanine 424 with serine.
Molecular consequence: missense variant.
Genome position (GRCh38, 1-based): chr2:43,873,845, G>T. VCF-style: chr2-43873845-G-T. GRCh37 (hg19) VCF-style: chr2-44100984-G-T.
Other names: c.1270G>T (NM_022437.2); c.1267G>T, p.Ala423Ser (NM_001357321.2); short protein forms A423S, A424S.
Identifiers: ClinVar variation 2690821 (VCV002690821.3), dbSNP rs1219353019, ClinGen allele CA346669336.

ClinVar aggregate classification (germline): Uncertain significance. Review status: criteria provided, multiple submitters, no conflicts (2 of 4 stars). 2 submissions from 2 submitters: Uncertain significance (2). Last evaluated 2025-10-14.

Conditions:
Sitosterolemia 1. Identifiers: MedGen C2749759, MONDO:0020747, OMIM 210250.
Cardiovascular phenotype. Identifiers: MedGen CN230736.

gnomAD v4.1: 2 of 1,614,076 alleles (0.00012%); highest among the groups gnomAD compares: Non-Finnish European, 0.000085%; no homozygotes.

Submissions (2):

Ambry Genetics
Classification: Uncertain significance for Cardiovascular phenotype. Last evaluated: 2025-10-14. Review status: criteria provided, single submitter. Criteria: Ambry Variant Classification Scheme 2023. Collection method: clinical testing. Allele origin: germline.
Comment: The p.A424S variant (also known as c.1270G>T), located in coding exon 9 of the ABCG8 gene, results from a G to T substitution at nucleotide position 1270. The alanine at codon 424 is replaced by serine, an amino acid with similar properties. This amino acid position is conserved. In addition, the in silico prediction for this alteration is inconclusive. Based on the available evidence, the clinical significance of this variant remains unclear.

Revvity Omics, Revvity
Classification: Uncertain significance for Sitosterolemia 1. Last evaluated: 2023-06-13. Review status: criteria provided, single submitter. Criteria: ACMG Guidelines, 2015. Collection method: clinical testing. Allele origin: germline.